The following is an entry in ClinVar:

ClinVar aggregate classification (germline): Conflicting classifications of pathogenicity. Review status: criteria provided, conflicting classifications (1 of 4 stars). 2 submissions from 2 submitters: Uncertain significance (1); Likely benign (1). Last evaluated 2025-09-15.

gnomAD v4.1: 27 of 1,613,768 alleles (0.0017%); highest among the groups gnomAD compares: Non-Finnish European, 0.0022%; no homozygotes.

Submissions (2):

Labcorp Genetics (formerly Invitae), Labcorp
Classification: Uncertain significance. Last evaluated: 2025-09-15. Review status: criteria provided, single submitter. Criteria: Invitae Variant Classification Sherloc (09022015). Collection method: clinical testing. Allele origin: germline.
Comment: This sequence change replaces glutamic acid, which is acidic and polar, with glycine, which is neutral and non-polar, at codon 168 of the IL23R protein (p.Glu168Gly). This variant is present in population databases (rs745884986, gnomAD 0.002%). This variant has not been reported in the literature in individuals affected with IL23R-related conditions. ClinVar contains an entry for this variant (Variation ID: 3710833). An algorithm developed to predict the effect of missense changes on protein structure and function outputs the following: PolyPhen-2: "Possibly Damaging". The glycine amino acid residue is found in multiple mammalian species, which suggests that this missense change does not adversely affect protein function. In summary, the available evidence is currently insufficient to determine the role of this variant in disease. Therefore, it has been classified as a Variant of Uncertain Significance.

Blueprint Genetics
Classification: Likely benign. Last evaluated: 2023-03-24. Review status: criteria provided, single submitter. Criteria: ACMG Guidelines, 2015. Collection method: clinical testing. Allele origin: germline.

NM_144701.3(IL23R):c.503A>G (p.Glu168Gly)

Gene: IL23R (interleukin 23 receptor; plus strand). Cytogenetic location: 1p31.3.
Variant type: single nucleotide variant.
Coding change: c.503A>G on transcript NM_144701.3 (MANE Select); coding-DNA position 503, A replaced by G.
Protein change: p.Glu168Gly; replaces glutamic acid 168 with glycine.
Molecular consequence: missense variant.
Genome position (GRCh38, 1-based): chr1:67,200,748, A>G. VCF-style: chr1-67200748-A-G. GRCh37 (hg19) VCF-style: chr1-67666431-A-G.
Other names: short protein forms E168G.
Identifiers: ClinVar variation 3710833 (VCV003710833.3).